The following is an entry in ClinVar:

NM_016216.4(DBR1):c.381T>C (p.Phe127=)

Gene: DBR1 (debranching RNA lariats 1; minus strand). Cytogenetic location: 3q22.3.
Variant type: single nucleotide variant.
Coding change: c.381T>C on transcript NM_016216.4 (MANE Select); coding-DNA position 381, T replaced by C.
Protein change: p.Phe127=; no amino-acid change (phenylalanine 127 retained).
Molecular consequence: synonymous variant.
Genome position (GRCh38, 1-based): chr3:138,171,655, A>G on the plus strand (T>C on the coding strand, the complement: DBR1 is on the minus strand). VCF-style: chr3-138171655-A-G. GRCh37 (hg19) VCF-style: chr3-137890497-A-G.
Other names: c.381T>C (NM_016216.3).
Identifiers: ClinVar variation 2888595 (VCV002888595.5), dbSNP rs372743578, ClinGen allele CA2635891.

ClinVar aggregate classification (germline): Likely benign. Review status: criteria provided, single submitter (1 of 4 stars). 2 submissions from 2 submitters: Likely benign (1). 1 of the submissions does not count toward it. Last evaluated 2022-11-04.

Conditions:
DBR1-related disorder. Also called: DBR1-related condition.

Allele frequency attached by ClinVar (database versions not stated): ExAC 0.00001; gnomAD exomes 0.00001; TOPMed 0.00002; gnomAD 0.00003; ESP Exome Variant Server 0.00008.
gnomAD v4.1: 20 of 1,613,218 alleles (0.0012%); highest among the groups gnomAD compares: Non-Finnish European, 0.0014%; no homozygotes.

Submissions (2):

Labcorp Genetics (formerly Invitae), Labcorp
Classification: Likely benign. Last evaluated: 2022-11-04. Review status: criteria provided, single submitter. Criteria: Invitae Variant Classification Sherloc (09022015). Collection method: clinical testing. Allele origin: germline.

PreventionGenetics, part of Exact Sciences
Classification: Likely benign for DBR1-related condition. Last evaluated: 2023-11-22. Review status: no assertion criteria provided. Collection method: clinical testing. Allele origin: germline. Not counted in ClinVar's aggregate classification.
Comment: This variant is classified as likely benign based on ACMG/AMP sequence variant interpretation guidelines (Richards et al. 2015 PMID: 25741868, with internal and published modifications).